The following is an entry in ClinVar:

ClinVar aggregate classification (germline): Pathogenic (1 of 4 stars; one submission).

Submission:

Labcorp Genetics (formerly Invitae), Labcorp
Classification: Pathogenic. Last evaluated: 2022-10-17. Review status: criteria provided, single submitter. Criteria: Invitae Variant Classification Sherloc (09022015). Collection method: clinical testing. Allele origin: germline.
Comment: This variant is a gross deletion of the genomic region encompassing exon(s) 12 of the EYS gene. This deletion is out-of-frame, and is expected to create a premature termination codon and result in an absent or disrupted protein product. Loss-of-function variants in EYS are known to be pathogenic (PMID: 18836446, 20333770). A similar copy number variant has been observed in individual(s) with autosomal recessive retinitis pigmentosa (PMID: 18836446). For these reasons, this variant has been classified as Pathogenic.

Literature cited by the submitters: PubMed 18836446; PubMed 20333770.

NC_000006.11:g.(?_66005736)_(66006032_?)del

Gene: EYS (eyes shut homolog; minus strand). Cytogenetic location: 6q12.
Variant type: Deletion.
Identifiers: ClinVar variation 2423867 (VCV002423867.3).